The following is an entry in ClinVar:

NM_025136.4(OPA3):c.*2101A>T

Genes: OPA3 (outer mitochondrial membrane lipid metabolism regulator OPA3; minus strand), OPA3-RTN2 (OPA3-RTN2 readthrough; minus strand). Cytogenetic location: 19q13.32.
Variant type: single nucleotide variant.
Coding change: c.*2101A>T on transcript NM_025136.4 (MANE Select); 2101 bases downstream of the stop codon, A replaced by T.
Molecular consequence: 3 prime UTR variant. On other transcripts: intron variant (1).
Genome position (GRCh38, 1-based): chr19:45,551,413, T>A on the plus strand (A>T on the coding strand, the complement: OPA3 is on the minus strand). VCF-style: chr19-45551413-T-A. GRCh37 (hg19) VCF-style: chr19-46054671-T-A.
Other names: c.143-21957A>T (NM_001017989.3).
Identifiers: ClinVar variation 329644 (VCV000329644.33), dbSNP rs139606810, ClinGen allele CA10648879.

ClinVar aggregate classification (germline): Conflicting classifications of pathogenicity. Review status: criteria provided, conflicting classifications (1 of 4 stars). 3 submissions from 2 submitters: Uncertain significance (1); Benign (1); Likely benign (1). Last evaluated 2023-10-01.

Conditions:
3-Methylglutaconic aciduria type 3 (MGCA3). Also called: OPA3, AUTOSOMAL RECESSIVE; OPTIC ATROPHY 3, AUTOSOMAL RECESSIVE; Costeff Syndrome; OPA3-Related 3-Methylglutaconic Aciduria. Identifiers: Orphanet 67047, MedGen C0574084, MONDO:0009787, OMIM 258501.
Optic atrophy 3 (OPA3). Also called: OPTIC ATROPHY 3, AUTOSOMAL DOMINANT; Optic atrophy, cataract, and neurologic disorder; Optic atrophy 3 with cataract. Identifiers: Orphanet 67036, MedGen C1833809, MONDO:0008133, OMIM 165300.

Allele frequency attached by ClinVar (database versions not stated): 1000 Genomes Project 30x 0.00234; 1000 Genomes Project 0.00260; gnomAD 0.00363 and 0.00364; TOPMed 0.00378; gnomAD exomes 0.02308.
gnomAD v4.1: 552 of 152,238 alleles (0.36%); highest among the groups gnomAD compares: Middle Eastern, 1%; 4 homozygotes.

Submissions (3):

CeGaT Center for Human Genetics Tuebingen
Classification: Likely benign. Last evaluated: 2023-10-01. Review status: criteria provided, single submitter. Criteria: CeGaT Center For Human Genetics Tuebingen Variant Classification Criteria Version 2. Collection method: clinical testing. Allele origin: germline. Affected: yes. Observed: 7 variant alleles.
Comment: OPA3: BS2

Illumina Laboratory Services, Illumina
Classification: Uncertain significance for 3-Methylglutaconic aciduria type 3. Last evaluated: 2018-01-12. Review status: criteria provided, single submitter. Criteria: ICSL Variant Classification Criteria 13 December 2019. Collection method: clinical testing. Allele origin: germline.

Illumina Laboratory Services, Illumina
Classification: Benign for Optic atrophy 3. Last evaluated: 2018-01-12. Review status: criteria provided, single submitter. Criteria: ICSL Variant Classification Criteria 13 December 2019. Collection method: clinical testing. Allele origin: germline.
Comment: This variant was observed in the ICSL laboratory as part of a predisposition screen in an ostensibly healthy population. It had not been previously curated by ICSL or reported in the Human Gene Mutation Database (HGMD: prior to June 1st, 2018), and was therefore a candidate for classification through an automated scoring system. Utilizing variant allele frequency, disease prevalence and penetrance estimates, and inheritance mode, an automated score was calculated to assess if this variant is too frequent to cause the disease. Based on the score and internal cut-off values, a variant classified as benign is not then subjected to further curation. The score for this variant resulted in a classification of benign for this disease.